The following is an entry in ClinVar:

ClinVar aggregate classification (germline): Likely benign. Review status: criteria provided, multiple submitters, no conflicts (2 of 4 stars). 2 submissions from 2 submitters: Likely benign (2). Last evaluated 2018-06-14.

Allele frequency attached by ClinVar (database versions not stated): 1000 Genomes Project 0.00359; 1000 Genomes Project 30x 0.00406; TOPMed 0.00351.

Submissions (2):

GeneDx
Classification: Likely benign. Last evaluated: 2018-06-14. Review status: criteria provided, single submitter. Criteria: GeneDx Variant Classification (06012015). Collection method: clinical testing. Allele origin: germline. Affected: yes.
Comment: This variant is considered likely benign or benign based on one or more of the following criteria: it is a conservative change, it occurs at a poorly conserved position in the protein, it is predicted to be benign by multiple in silico algorithms, and/or has population frequency not consistent with disease.

Breakthrough Genomics
Classification: Likely benign. Review status: criteria provided, single submitter. Criteria: ACMG Guidelines, 2015. Collection method: not provided. Allele origin: germline. Inheritance: Autosomal recessive inheritance. Affected: yes.

NM_018838.4(NDUFA12):c.-120G>T

Gene: NDUFA12 (NADH:ubiquinone oxidoreductase subunit A12; minus strand). Cytogenetic location: 12q22.
Variant type: single nucleotide variant.
Coding change: c.-120G>T on transcript NM_018838.4; 120 bases upstream of the start codon, G replaced by T.
Genome position (GRCh38, 1-based): chr12:95,003,800, C>A on the plus strand (G>T on the coding strand, the complement: NDUFA12 is on the minus strand). VCF-style: chr12-95003800-C-A. GRCh37 (hg19) VCF-style: chr12-95397576-C-A.
Identifiers: ClinVar variation 678337 (VCV000678337.4), dbSNP rs114300034, ClinGen allele CA13712066.
Genomic context (GRCh38, chr12:95,003,800, plus strand): 5'-CCACTCAGCCGCAGGAAGCCCACGCCCAGAAGGTTCTCACGCGAACGCCAGACGTGGTGG[C>A]TCTGCGCGTGCGCAGAGCTAGGTCTTGCCTACGCGGTCATGTTCTGGCTTCCCAAGTAGG-3'